The following is an entry in ClinVar:

NM_001267550.2(TTN):c.37782G>A (p.Pro12594=)

Gene: TTN (titin; minus strand). Cytogenetic location: 2q31.2.
Variant type: single nucleotide variant.
Coding change: c.37782G>A on transcript NM_001267550.2 (MANE Select); coding-DNA position 37782, G replaced by A.
Protein change: p.Pro12594=; no amino-acid change (proline 12594 retained).
Molecular consequence: synonymous variant. On other transcripts: intron variant (5).
Genome position (GRCh38, 1-based): chr2:178,658,087, C>T on the plus strand (G>A on the coding strand, the complement: TTN is on the minus strand). VCF-style: chr2-178658087-C-T. GRCh37 (hg19) VCF-style: chr2-179522814-C-T.
Other names: c.13283-15770G>A (NM_003319.4); c.13859-15770G>A (NM_133437.4); c.13658-15770G>A (NM_133432.3); c.31741+918G>A (NM_133378.4); c.34522+918G>A (NM_001256850.1).
Identifiers: ClinVar variation 701071 (VCV000701071.14), dbSNP rs58496397, ClinGen allele CA60971793.

ClinVar aggregate classification (germline): Likely benign. Review status: criteria provided, multiple submitters, no conflicts (2 of 4 stars). 3 submissions from 3 submitters: Likely benign (3). Last evaluated 2026-07-01.

Conditions:
Dilated cardiomyopathy 1G (CMD1G). Identifiers: Orphanet 154, MedGen C1858763, MONDO:0011400, OMIM 604145.
Autosomal recessive limb-girdle muscular dystrophy type 2J (LGMDR10). Also called: Limb-girdle muscular dystrophy, type 2J; MUSCULAR DYSTROPHY, LIMB-GIRDLE, AUTOSOMAL RECESSIVE 10. Identifiers: Orphanet 140922, MedGen C1837342, MONDO:0012127, OMIM 608807.

Allele frequency attached by ClinVar (database versions not stated): gnomAD 0.00001.

Submissions (3):

CeGaT Center for Human Genetics Tuebingen
Classification: Likely benign. Last evaluated: 2026-07-01. Review status: criteria provided, single submitter. Criteria: CeGaT Center For Human Genetics Tuebingen Variant Classification Criteria Version 2. Collection method: clinical testing. Allele origin: germline. Affected: yes. Observed: 2 variant alleles.
Comment: TTN: BP4, BP7

Labcorp Genetics (formerly Invitae), Labcorp
Classification: Likely benign for Dilated cardiomyopathy 1G; Autosomal recessive limb-girdle muscular dystrophy type 2J. Last evaluated: 2025-01-27. Review status: criteria provided, single submitter. Criteria: Invitae Variant Classification Sherloc (09022015). Collection method: clinical testing. Allele origin: germline.

Blueprint Genetics
Classification: Likely benign. Last evaluated: 2024-08-29. Review status: criteria provided, single submitter. Criteria: ACMG Guidelines, 2015. Collection method: clinical testing. Allele origin: germline.